The following is an entry in ClinVar:

ClinVar aggregate classification (germline): Uncertain significance. Review status: criteria provided, multiple submitters, no conflicts (2 of 4 stars). 4 submissions from 4 submitters: Uncertain significance (4). Last evaluated 2025-08-25.

Conditions:
Congenital myopathy 22B, severe fetal (CMYO22B). Identifiers: MedGen C5830501, MONDO:0957265, OMIM 620369.
Hyperkalemic periodic paralysis. Also called: Familial hyperkalemic periodic paralysis; Gamstorp disease. Identifiers: Orphanet 682, MedGen C0238357, MONDO:0008224, OMIM 170500, HP:0007215.

Allele frequency attached by ClinVar (database versions not stated): gnomAD exomes below 0.00001 and 0.00001; gnomAD 0.00001; TOPMed 0.00001; ExAC 0.00003.
gnomAD v4.1: 4 of 1,613,728 alleles (0.00025%); highest among the groups gnomAD compares: Non-Finnish European, 0.00034%; no homozygotes.

Submissions (4):

Labcorp Genetics (formerly Invitae), Labcorp
Classification: Uncertain significance for Hyperkalemic periodic paralysis. Last evaluated: 2025-08-25. Review status: criteria provided, single submitter. Criteria: Invitae Variant Classification Sherloc (09022015). Collection method: clinical testing. Allele origin: germline.
Comment: This sequence change replaces valine, which is neutral and non-polar, with methionine, which is neutral and non-polar, at codon 1254 of the SCN4A protein (p.Val1254Met). This variant is present in population databases (rs763136642, gnomAD 0.007%). This variant has not been reported in the literature in individuals affected with SCN4A-related conditions. ClinVar contains an entry for this variant (Variation ID: 838242). Invitae Evidence Modeling of protein sequence and biophysical properties (such as structural, functional, and spatial information, amino acid conservation, physicochemical variation, residue mobility, and thermodynamic stability) indicates that this missense variant is expected to disrupt SCN4A protein function with a positive predictive value of 95%. In summary, the available evidence is currently insufficient to determine the role of this variant in disease. Therefore, it has been classified as a Variant of Uncertain Significance.

3billion
Classification: Uncertain significance for Congenital myopathy 22B, severe fetal. Last evaluated: 2025-07-28. Review status: criteria provided, single submitter. Criteria: ACMG Guidelines, 2015. Collection method: clinical testing. Allele origin: germline. Affected: yes.
Comment: The variant is observed at an extremely low frequency in the gnomAD v4.1.0 dataset (total allele frequency: <0.001%). Predicted Consequence/Location: Missense variant In silico tool predictions suggest damaging effect of the variant on gene or gene product [REVEL: 0.86 (>=0.6, sensitivity 0.68 and specificity 0.92); 3Cnet: 0.80 (> 0.75, sensitivity 0.96 and precision 0.92)]. The variant has been reported as of uncertain significance (ClinVar ID: VCV000838242). Therefore, this variant is classified as VUS according to the recommendation of ACMG/AMP guideline.

Department of Human Genetics, Hannover Medical School
Classification: Uncertain significance for Congenital myopathy 22B, severe fetal. Last evaluated: 2025-02-17. Review status: criteria provided, single submitter. Criteria: ACMG Guidelines, 2015. Collection method: clinical testing. Allele origin: germline. Affected: yes.
Comment: ACMG: PM1_Supporting, PM2_Supporting, PP3_Moderate

Revvity Omics, Revvity
Classification: Uncertain significance. Last evaluated: 2020-03-27. Review status: criteria provided, single submitter. Criteria: ACMG Guidelines, 2015. Collection method: clinical testing. Allele origin: germline.

NM_000334.4(SCN4A):c.3760G>A (p.Val1254Met)

Genes: GH-LCR (growth hormone locus control region; plus strand), SCN4A (sodium voltage-gated channel alpha subunit 4; minus strand). Cytogenetic location: 17q23.3.
Variant type: single nucleotide variant.
Coding change: c.3760G>A on transcript NM_000334.4 (MANE Select); coding-DNA position 3760, G replaced by A.
Protein change: p.Val1254Met; replaces valine 1254 with methionine.
Molecular consequence: missense variant.
Genome position (GRCh38, 1-based): chr17:63,945,021, C>T on the plus strand (G>A on the coding strand, the complement: SCN4A is on the minus strand). VCF-style: chr17-63945021-C-T. GRCh37 (hg19) VCF-style: chr17-62022381-C-T.
Other names: short protein forms V1254M.
Identifiers: ClinVar variation 838242 (VCV000838242.14), dbSNP rs763136642, ClinGen allele CA8709168.